The following is an entry in ClinVar:

ClinVar aggregate classification (germline): Uncertain significance. Review status: criteria provided, multiple submitters, no conflicts (2 of 4 stars). 2 submissions from 2 submitters: Uncertain significance (2). Last evaluated 2023-10-17.

Conditions:
Hyper-IgE recurrent infection syndrome 3, autosomal recessive. Also called: Autosomal recessive hyper-IgE syndrome due to ZNF341 deficiency; HYPER-IgE SYNDROME 3, AUTOSOMAL RECESSIVE, WITH RECURRENT INFECTIONS. Identifiers: Orphanet 641368, MedGen C4748969, MONDO:0032654, OMIM 618282.

Allele frequency attached by ClinVar (database versions not stated): gnomAD exomes below 0.00001; TOPMed below 0.00001; gnomAD 0.00001.
gnomAD v4.1: 2 of 1,613,794 alleles (0.00012%); highest among the groups gnomAD compares: Middle Eastern, 0.016%; no homozygotes.

Submissions (2):

Labcorp Genetics (formerly Invitae), Labcorp
Classification: Uncertain significance for Combined immunodeficiency due to DOCK8 deficiency. Last evaluated: 2023-10-17. Review status: criteria provided, single submitter. Criteria: Invitae Variant Classification Sherloc (09022015). Collection method: clinical testing. Allele origin: germline.
Comment: This sequence change replaces threonine, which is neutral and polar, with serine, which is neutral and polar, at codon 1118 of the DOCK8 protein (p.Thr1118Ser). This variant is not present in population databases (gnomAD no frequency). This variant has not been reported in the literature in individuals affected with DOCK8-related conditions. ClinVar contains an entry for this variant (Variation ID: 953478). Advanced modeling of protein sequence and biophysical properties (such as structural, functional, and spatial information, amino acid conservation, physicochemical variation, residue mobility, and thermodynamic stability) performed at Invitae indicates that this missense variant is not expected to disrupt DOCK8 protein function. In summary, the available evidence is currently insufficient to determine the role of this variant in disease. Therefore, it has been classified as a Variant of Uncertain Significance.

Blueprint Genetics
Classification: Uncertain significance. Last evaluated: 2023-05-22. Review status: criteria provided, single submitter. Criteria: ACMG Guidelines, 2015. Collection method: clinical testing. Allele origin: germline.

NM_203447.4(DOCK8):c.3353C>G (p.Thr1118Ser)

Gene: DOCK8 (dedicator of cytokinesis 8; plus strand). Cytogenetic location: 9p24.3.
Variant type: single nucleotide variant.
Coding change: c.3353C>G on transcript NM_203447.4 (MANE Select); coding-DNA position 3353, C replaced by G.
Protein change: p.Thr1118Ser; replaces threonine 1118 with serine.
Molecular consequence: missense variant.
Genome position (GRCh38, 1-based): chr9:405,036, C>G. VCF-style: chr9-405036-C-G. GRCh37 (hg19) VCF-style: chr9-405036-C-G.
Other names: c.3053C>G, p.Thr1018Ser (NM_001190458.2); c.3149C>G, p.Thr1050Ser (NM_001193536.2); short protein forms T1018S, T1118S, T1050S.
Identifiers: ClinVar variation 953478 (VCV000953478.9), dbSNP rs1273750745, ClinGen allele CA372757905.